The following is an entry in ClinVar:

ClinVar aggregate classification (germline): Conflicting classifications of pathogenicity. Review status: criteria provided, conflicting classifications (1 of 4 stars). 5 submissions from 5 submitters: Uncertain significance (4); Likely benign (1). Last evaluated 2024-11-01.

Conditions:
Cardiovascular phenotype. Identifiers: MedGen CN230736.
Ehlers-Danlos syndrome due to tenascin-X deficiency (EDSCLL1). Also called: EHLERS-DANLOS SYNDROME, CLASSIC-LIKE; Ehlers-Danlos syndrome, classic-like, 1; TNXB-Related Classical-Like Ehlers-Danlos Syndrome; EDS DUE TO TNX DEFICIENCY; TNX DEFICIENCY. Identifiers: Orphanet 230839, MedGen C1848029, MONDO:0011670, OMIM 606408.
Vesicoureteral reflux 8 (VUR8). Identifiers: Orphanet 289365, MedGen C4014831, MONDO:0014422, OMIM 615963.

Allele frequency attached by ClinVar (database versions not stated): gnomAD 0.00006; TOPMed 0.00009; 1000 Genomes Project 30x 0.00016; 1000 Genomes Project 0.00020.
gnomAD v4.1: 45 of 1,613,836 alleles (0.0028%); highest among the groups gnomAD compares: Middle Eastern, 0.18%; no homozygotes.

Submissions (5):

Blueprint Genetics
Classification: Likely benign. Last evaluated: 2024-11-01. Review status: criteria provided, single submitter. Criteria: ACMG Guidelines, 2015. Collection method: clinical testing. Allele origin: germline.

GeneDx
Classification: Uncertain significance. Last evaluated: 2023-07-18. Review status: criteria provided, single submitter. Criteria: GeneDx Variant Classification Process June 2021. Collection method: clinical testing. Allele origin: germline. Affected: yes.
Comment: Has not been previously published as pathogenic or benign to our knowledge; In silico analysis supports that this missense variant has a deleterious effect on protein structure/function

Ambry Genetics
Classification: Uncertain significance for Cardiovascular phenotype. Last evaluated: 2022-05-15. Review status: criteria provided, single submitter. Criteria: Ambry Variant Classification Scheme 2023. Collection method: clinical testing. Allele origin: germline.
Comment: The p.H2059Q variant (also known as c.6177C>G), located in coding exon 16 of the TNXB gene, results from a C to G substitution at nucleotide position 6177. The histidine at codon 2059 is replaced by glutamine, an amino acid with highly similar properties. This amino acid position is conserved. In addition, this alteration is predicted to be tolerated by in silico analysis. Since supporting evidence is limited at this time, the clinical significance of this alteration remains unclear.

Breakthrough Genomics
Classification: Uncertain significance. Review status: criteria provided, single submitter. Criteria: ACMG Guidelines, 2015. Collection method: not provided. Allele origin: germline. Inheritance: Autosomal recessive inheritance. Affected: yes.

Center for Genomics, Ann and Robert H. Lurie Children's Hospital of Chicago
Classification: Uncertain significance for Ehlers-Danlos syndrome due to tenascin-X deficiency; Vesicoureteral reflux 8. Review status: criteria provided, single submitter. Criteria: ACMG Guidelines, 2015. Collection method: clinical testing. Allele origin: germline.
Comment: TNXB NM_019105.6 exon 17 p.His2059Gln (c.6177C>G): This variant has not been reported in the literature and is present in 0.01% (3/24014) of African alleles in the Genome Aggregation Database. Evolutionary conservation and computational predictive tools for this variant are unclear. In summary, data on this variant is insufficient for disease classification. Therefore, the clinical significance of this variant is uncertain.

NM_001365276.2(TNXB):c.6177C>G (p.His2059Gln)

Gene: TNXB (tenascin XB; minus strand). Cytogenetic location: 6p21.33.
Variant type: single nucleotide variant.
Coding change: c.6177C>G on transcript NM_001365276.2 (MANE Select); coding-DNA position 6177, C replaced by G.
Protein change: p.His2059Gln; replaces histidine 2059 with glutamine.
Molecular consequence: missense variant.
Genome position (GRCh38, 1-based): chr6:32,068,433, G>C on the plus strand (C>G on the coding strand, the complement: TNXB is on the minus strand). VCF-style: chr6-32068433-G-C. GRCh37 (hg19) VCF-style: chr6-32036210-G-C.
Other names: c.6177C>G, p.His2059Gln (NM_019105.8); short protein forms H2059Q.
Identifiers: ClinVar variation 626035 (VCV000626035.8), dbSNP rs551447544, ClinGen allele CA3734513.